The following is an entry in ClinVar:

NM_001113378.2(FANCI):c.1432T>C (p.Ser478Pro)

Gene: FANCI (FA complementation group I; plus strand). Cytogenetic location: 15q26.1.
Variant type: single nucleotide variant.
Coding change: c.1432T>C on transcript NM_001113378.2 (MANE Select); coding-DNA position 1432, T replaced by C.
Protein change: p.Ser478Pro; replaces serine 478 with proline.
Molecular consequence: missense variant.
Genome position (GRCh38, 1-based): chr15:89,281,220, T>C. VCF-style: chr15-89281220-T-C. GRCh37 (hg19) VCF-style: chr15-89824451-T-C.
Other names: c.1153T>C, p.Ser385Pro (NM_001376910.1); c.1432T>C, p.Ser478Pro (NM_001376911.1, NM_018193.3); short protein forms S385P, S478P.
Identifiers: ClinVar variation 3673128 (VCV003673128.1).

ClinVar aggregate classification (germline): Uncertain significance (1 of 4 stars; one submission).

Conditions:
Fanconi anemia (FA). Also called: Fanconi's anemia. Identifiers: Orphanet 84, MedGen C0015625, MeSH D005199, MONDO:0019391.

gnomAD v4.1: 1 of 1,613,924 alleles (0.000062%); highest among the groups gnomAD compares: Non-Finnish European, 0.000085%; no homozygotes.

Submission:

Labcorp Genetics (formerly Invitae), Labcorp
Classification: Uncertain significance for Fanconi anemia. Last evaluated: 2024-11-25. Review status: criteria provided, single submitter. Criteria: Invitae Variant Classification Sherloc (09022015). Collection method: clinical testing. Allele origin: germline.
Comment: This sequence change replaces serine, which is neutral and polar, with proline, which is neutral and non-polar, at codon 478 of the FANCI protein (p.Ser478Pro). This variant is not present in population databases (gnomAD no frequency). This variant has not been reported in the literature in individuals affected with FANCI-related conditions. Invitae Evidence Modeling of protein sequence and biophysical properties (such as structural, functional, and spatial information, amino acid conservation, physicochemical variation, residue mobility, and thermodynamic stability) indicates that this missense variant is expected to disrupt FANCI protein function with a positive predictive value of 80%. In summary, the available evidence is currently insufficient to determine the role of this variant in disease. Therefore, it has been classified as a Variant of Uncertain Significance.